The following is an entry in ClinVar:

ClinVar aggregate classification (germline): Uncertain significance (1 of 4 stars; one submission).

Conditions:
Autoimmune lymphoproliferative syndrome type 2A (ALPS2A). Also called: Autoimmune lymphoproliferative syndrome type 2; CASP10-Related Autoimmune Lymphoproliferative Syndrome; AUTOIMMUNE LYMPHOPROLIFERATIVE SYNDROME, TYPE IIA. Identifiers: Orphanet 3261, MedGen C1858968, MONDO:0011383, OMIM 603909.

Submission:

Labcorp Genetics (formerly Invitae), Labcorp
Classification: Uncertain significance for Autoimmune lymphoproliferative syndrome type 2A. Last evaluated: 2022-08-20. Review status: criteria provided, single submitter. Criteria: Invitae Variant Classification Sherloc (09022015). Collection method: clinical testing. Allele origin: germline.
Comment: This variant is not present in population databases (gnomAD no frequency). This sequence change replaces isoleucine, which is neutral and non-polar, with serine, which is neutral and polar, at codon 459 of the CASP10 protein (p.Ile459Ser). Algorithms developed to predict the effect of missense changes on protein structure and function (SIFT, PolyPhen-2, Align-GVGD) all suggest that this variant is likely to be disruptive. This variant has not been reported in the literature in individuals affected with CASP10-related conditions. In summary, the available evidence is currently insufficient to determine the role of this variant in disease. Therefore, it has been classified as a Variant of Uncertain Significance.

NM_032977.4(CASP10):c.1376T>G (p.Ile459Ser)

Gene: CASP10 (caspase 10; plus strand). Cytogenetic location: 2q33.1.
Variant type: single nucleotide variant.
Coding change: c.1376T>G on transcript NM_032977.4 (MANE Select); coding-DNA position 1376, T replaced by G.
Protein change: p.Ile459Ser; replaces isoleucine 459 with serine.
Molecular consequence: missense variant. On other transcripts: 3 prime UTR variant (1).
Genome position (GRCh38, 1-based): chr2:201,209,523, T>G. VCF-style: chr2-201209523-T-G. GRCh37 (hg19) VCF-style: chr2-202074246-T-G.
Other names: c.1175T>G, p.Ile392Ser (NM_001206524.2); c.1247T>G, p.Ile416Ser (NM_001206542.2, NM_001230.5); c.1376T>G, p.Ile459Ser (NM_032974.5); c.*462T>G (NM_032976.4); short protein forms I392S, I416S, I459S.
Identifiers: ClinVar variation 1715731 (VCV001715731.5), dbSNP rs928561734, ClinGen allele CA63866548.
Genomic context (GRCh38, chr2:201,209,523, plus strand): 5'-GTCTGGCCACTGTCCCAGGCTATGTATCCTTTCGGCATGTGGAGGAAGGCAGCTGGTATA[T>G]TCAGTCTCTGTGTAATCATCTGAAGAAATTGGTCCCAAGGTGAGAGCTCTTTTTTTTCTT-3'
Protein context (NP_116759.2, residues 449-469): FRHVEEGSWY[Ile459Ser]QSLCNHLKKL